The following is an entry in ClinVar:

NM_001165963.4(SCN1A):c.2946+4T>A

Gene: SCN1A (sodium voltage-gated channel alpha subunit 1; minus strand). Cytogenetic location: 2q24.3.
Variant type: single nucleotide variant.
Coding change: c.2946+4T>A on transcript NM_001165963.4 (MANE Select); 4 bases into the intron after coding-DNA position 2946, T replaced by A.
Molecular consequence: intron variant.
Genome position (GRCh38, 1-based): chr2:166,037,772, A>T on the plus strand (T>A on the coding strand, the complement: SCN1A is on the minus strand). VCF-style: chr2-166037772-A-T. GRCh37 (hg19) VCF-style: chr2-166894282-A-T.
Other names: c.2913+4T>A (NM_001353949.2, NM_001353950.2, NM_001353951.2 and 2 more transcripts); c.2862+4T>A (NM_001353958.2, NM_001353957.2, NM_001165964.3); c.2946+4T>A (NM_001202435.3, NM_001353948.2); c.2910+4T>A (NM_001353955.2, NM_001353954.2); c.2859+4T>A (NM_001353960.2); c.504+4T>A (NM_001353961.2).
Identifiers: ClinVar variation 4811030 (VCV004811030.1).
Genomic context (GRCh38, chr2:166,037,772, plus strand): 5'-TACATATGTATACATGTGCCATGCTGGTGTATTTCCAAAATGCATATCTTAAGTGGGTAC[A>T]TACCACTAGGTTTCCAATCACCATGACCATCATGAAGACAGTAAGGCACATGGCTTGACC-3'

ClinVar aggregate classification (germline): Uncertain significance (1 of 4 stars; one submission).

Conditions:
Early-infantile DEE. Also called: Early infantile epileptic encephalopathy with suppression bursts; Early infantile epileptic encephalopathy; Ohtahara syndrome. Identifiers: Orphanet 1934, MedGen C0393706, MONDO:0800491.

Submission:

Labcorp Genetics (formerly Invitae), Labcorp
Classification: Uncertain significance for Early-infantile DEE. Last evaluated: 2025-11-21. Review status: criteria provided, single submitter. Criteria: Invitae Variant Classification Sherloc (09022015). Collection method: clinical testing. Allele origin: germline.
Comment: This sequence change falls in intron 15 of the SCN1A gene. It does not directly change the encoded amino acid sequence of the SCN1A protein. It affects a nucleotide within the consensus splice site. This variant is not present in population databases (gnomAD no frequency). This variant has not been reported in the literature in individuals affected with SCN1A-related conditions. Variants that disrupt the consensus splice site are a relatively common cause of aberrant splicing (PMID: 17576681, 9536098). Algorithms developed to predict the effect of sequence changes on RNA splicing suggest that this variant is not likely to affect RNA splicing. In summary, the available evidence is currently insufficient to determine the role of this variant in disease. Therefore, it has been classified as a Variant of Uncertain Significance.

Literature cited by the submitters: PubMed 17576681; PubMed 9536098.